The following is an entry in ClinVar:

NM_018896.5(CACNA1G):c.3755A>G (p.Asp1252Gly)

Gene: CACNA1G (calcium voltage-gated channel subunit alpha1 G; plus strand). Cytogenetic location: 17q21.33.
Variant type: single nucleotide variant.
Coding change: c.3755A>G on transcript NM_018896.5 (MANE Select); coding-DNA position 3755, A replaced by G.
Protein change: p.Asp1252Gly; replaces aspartic acid 1252 with glycine.
Molecular consequence: missense variant. On other transcripts: non-coding transcript variant (5).
Genome position (GRCh38, 1-based): chr17:50,600,790, A>G. VCF-style: chr17-50600790-A-G. GRCh37 (hg19) VCF-style: chr17-48678151-A-G.
Other names: c.3755A>G, p.Asp1252Gly (NM_001256324.2, NM_001256325.2, NM_001256326.2 and 16 more transcripts); c.3686A>G, p.Asp1229Gly (NM_001256332.2, NM_198376.3, NM_198379.3 and 5 more transcripts); short protein forms D1252G, D1229G.
Identifiers: ClinVar variation 2845201 (VCV002845201.3), dbSNP rs2545452257, ClinGen allele CA400254569.
Genomic context (GRCh38, chr17:50,600,790, plus strand): 5'-AAGGGGAACGGGTCCGCGCGTGGATCCGAGCCCGACTCCCTGCCTGCTGCCTCGAGCGAG[A>G]CTCCTGGTCAGCCTACATCTTCCCTCCTCAGTCCAGGTAAGTGACAGGGCAGGGGTCTGA-3'
Protein context (NP_061496.2, residues 1242-1262): ARLPACCLER[Asp1252Gly]SWSAYIFPPQ

ClinVar aggregate classification (germline): Uncertain significance (1 of 4 stars; one submission).

Submission:

Labcorp Genetics (formerly Invitae), Labcorp
Classification: Uncertain significance. Last evaluated: 2023-03-12. Review status: criteria provided, single submitter. Criteria: Invitae Variant Classification Sherloc (09022015). Collection method: clinical testing. Allele origin: germline.
Comment: This variant is not present in population databases (gnomAD no frequency). This sequence change replaces aspartic acid, which is acidic and polar, with glycine, which is neutral and non-polar, at codon 1252 of the CACNA1G protein (p.Asp1252Gly). This variant has not been reported in the literature in individuals affected with CACNA1G-related conditions. In summary, the available evidence is currently insufficient to determine the role of this variant in disease. Therefore, it has been classified as a Variant of Uncertain Significance. Advanced modeling of protein sequence and biophysical properties (such as structural, functional, and spatial information, amino acid conservation, physicochemical variation, residue mobility, and thermodynamic stability) has been performed at Invitae for this missense variant, however the output from this modeling did not meet the statistical confidence thresholds required to predict the impact of this variant on CACNA1G protein function.